The following is an entry in ClinVar:

ClinVar aggregate classification (germline): Benign/Likely benign. Review status: criteria provided, multiple submitters, no conflicts (2 of 4 stars). 7 submissions from 7 submitters: Benign (6); Likely benign (1). Last evaluated 2026-07-01.

Conditions:
Developmental and epileptic encephalopathy, 69. Also called: EPILEPTIC ENCEPHALOPATHY, EARLY INFANTILE, 69. Identifiers: MedGen C4748988, MONDO:0032657, OMIM 618285.
CACNA1E-related disorder. Also called: CACNA1E-related condition.

Allele frequency attached by ClinVar (database versions not stated): gnomAD exomes 0.00016 and 0.00043; ExAC 0.00051; ESP Exome Variant Server 0.00149; gnomAD 0.00204 and 0.00220; TOPMed 0.00213; 1000 Genomes Project 0.00300; 1000 Genomes Project 30x 0.00312.
gnomAD v4.1: 555 of 1,613,684 alleles (0.034%); highest among the groups gnomAD compares: African/African-American, 0.66%; 3 homozygotes.

Submissions (7):

CeGaT Center for Human Genetics Tuebingen
Classification: Likely benign. Last evaluated: 2026-07-01. Review status: criteria provided, single submitter. Criteria: CeGaT Center For Human Genetics Tuebingen Variant Classification Criteria Version 2. Collection method: clinical testing. Allele origin: germline. Affected: yes. Observed: 1 variant allele.
Comment: CACNA1E: BP4, BP7, BS1

Labcorp Genetics (formerly Invitae), Labcorp
Classification: Benign. Last evaluated: 2026-02-01. Review status: criteria provided, single submitter. Criteria: Invitae Variant Classification Sherloc (09022015). Collection method: clinical testing. Allele origin: germline.

ARUP Laboratories, Molecular Genetics and Genomics, ARUP Laboratories
Classification: Benign for Developmental and epileptic encephalopathy, 69. Last evaluated: 2025-03-17. Review status: criteria provided, single submitter. Criteria: ARUP Molecular Germline Variant Investigation Process 2024. Collection method: clinical testing. Allele origin: germline.

PreventionGenetics, part of Exact Sciences
Classification: Benign for CACNA1E-related condition. Last evaluated: 2024-12-04. Review status: criteria provided, single submitter. Criteria: ACMG Guidelines, 2015. Collection method: clinical testing. Allele origin: germline.
Comment: This variant is classified as benign based on ACMG/AMP sequence variant interpretation guidelines (Richards et al. 2015 PMID: 25741868, with internal and published modifications).

Genome-Nilou Lab
Classification: Benign for Developmental and epileptic encephalopathy, 69. Last evaluated: 2023-04-11. Review status: criteria provided, single submitter. Criteria: ACMG Guidelines, 2015. Collection method: clinical testing. Allele origin: germline. Affected: no.

GeneDx
Classification: Benign. Last evaluated: 2021-05-19. Review status: criteria provided, single submitter. Criteria: GeneDx Variant Classification Process June 2021. Collection method: clinical testing. Allele origin: germline. Affected: yes.

Breakthrough Genomics
Classification: Benign. Review status: criteria provided, single submitter. Criteria: ACMG Guidelines, 2015. Collection method: not provided. Allele origin: germline. Inheritance: Autosomal dominant inheritance. Affected: yes.

NM_001205293.3(CACNA1E):c.5853T>C (p.Cys1951=)

Gene: CACNA1E (calcium voltage-gated channel subunit alpha1 E; plus strand). Cytogenetic location: 1q25.3.
Variant type: single nucleotide variant.
Coding change: c.5853T>C on transcript NM_001205293.3 (MANE Select); coding-DNA position 5853, T replaced by C.
Protein change: p.Cys1951=; no amino-acid change (cysteine 1951 retained).
Molecular consequence: synonymous variant.
Genome position (GRCh38, 1-based): chr1:181,790,511, T>C. VCF-style: chr1-181790511-T-C. GRCh37 (hg19) VCF-style: chr1-181759647-T-C.
Other names: c.5853T>C, p.Cys1951= (NM_000721.4); c.5796T>C, p.Cys1932= (NM_001205294.2).
Identifiers: ClinVar variation 1241783 (VCV001241783.14), dbSNP rs374978888, ClinGen allele CA1276220.